The following is an entry in ClinVar:

ClinVar aggregate classification (germline): Uncertain significance. Review status: criteria provided, multiple submitters, no conflicts (2 of 4 stars). 2 submissions from 2 submitters: Uncertain significance (2). Last evaluated 2024-06-01.

Conditions:
Arterial calcification, generalized, of infancy, 2. Identifiers: Orphanet 51608, MedGen C3276161, MONDO:0013768, OMIM 614473.
Autosomal recessive inherited pseudoxanthoma elasticum (PXE). Identifiers: Orphanet 758, MedGen CN032334, MONDO:0009925, OMIM 264800.
Pseudoxanthoma elasticum, forme fruste. Also called: Pseudoxanthoma Elasticum, Incomplete; PSEUDOXANTHOMA ELASTICUM, HETEROZYGOUS. Identifiers: Orphanet 758, MedGen C1867450, MONDO:0008333, OMIM 177850.

Allele frequency attached by ClinVar (database versions not stated): gnomAD 0.00001.
gnomAD v4.1: 3 of 1,613,820 alleles (0.00019%); highest among the groups gnomAD compares: African/African-American, 0.004%; no homozygotes.

Submissions (2):

Fulgent Genetics
Classification: Uncertain significance for Pseudoxanthoma elasticum, forme fruste; Autosomal recessive inherited pseudoxanthoma elasticum; Arterial calcification, generalized, of infancy, 2. Last evaluated: 2024-06-01. Review status: criteria provided, single submitter. Criteria: ACMG Guidelines, 2015. Collection method: clinical testing. Allele origin: germline.

Labcorp Genetics (formerly Invitae), Labcorp
Classification: Uncertain significance. Last evaluated: 2021-09-21. Review status: criteria provided, single submitter. Criteria: Invitae Variant Classification Sherloc (09022015). Collection method: clinical testing. Allele origin: germline.
Comment: This sequence change replaces phenylalanine with leucine at codon 1204 of the ABCC6 protein (p.Phe1204Leu). The phenylalanine residue is moderately conserved and there is a small physicochemical difference between phenylalanine and leucine. This variant is not present in population databases (ExAC no frequency). This variant has not been reported in the literature in individuals affected with ABCC6-related conditions. Advanced modeling of protein sequence and biophysical properties (such as structural, functional, and spatial information, amino acid conservation, physicochemical variation, residue mobility, and thermodynamic stability) performed at Invitae indicates that this missense variant is expected to disrupt ABCC6 protein function. In summary, the available evidence is currently insufficient to determine the role of this variant in disease. Therefore, it has been classified as a Variant of Uncertain Significance.

NM_001171.6(ABCC6):c.3612C>G (p.Phe1204Leu)

Gene: ABCC6 (ATP binding cassette subfamily C member 6; minus strand). Cytogenetic location: 16p13.11.
Variant type: single nucleotide variant.
Coding change: c.3612C>G on transcript NM_001171.6 (MANE Select); coding-DNA position 3612, C replaced by G.
Protein change: p.Phe1204Leu; replaces phenylalanine 1204 with leucine.
Molecular consequence: missense variant. On other transcripts: non-coding transcript variant (1).
Genome position (GRCh38, 1-based): chr16:16,161,459, G>C on the plus strand (C>G on the coding strand, the complement: ABCC6 is on the minus strand). VCF-style: chr16-16161459-G-C. GRCh37 (hg19) VCF-style: chr16-16255316-G-C.
Other names: c.3270C>G, p.Phe1090Leu (NM_001351800.1); short protein forms F1090L, F1204L.
Identifiers: ClinVar variation 1476722 (VCV001476722.6), dbSNP rs1464733728, ClinGen allele CA394879656.
Genomic context (GRCh38, chr16:16,161,459, plus strand): 5'-GTCTGTCCCTCAAGCCCAGTTTGGGGATGTGGGGAGTACCTGGAGGGCAGCAGAGACAGA[G>C]AAGCCCACGAGGCCAGCACTGAGGTGGGCTTTGCTCAGCACAGCACACGTGGCAGCTGCA-3'
Protein context (NP_001162.5, residues 1194-1214): KAHLSAGLVG[Phe1204Leu]SVSAALQVTQ